The following is an entry in ClinVar:

NM_001184.4(ATR):c.5060A>G (p.Asp1687Gly)

Gene: ATR (ATR checkpoint kinase; minus strand). Cytogenetic location: 3q23.
Variant type: single nucleotide variant.
Coding change: c.5060A>G on transcript NM_001184.4 (MANE Select); coding-DNA position 5060, A replaced by G.
Protein change: p.Asp1687Gly; replaces aspartic acid 1687 with glycine.
Molecular consequence: missense variant.
Genome position (GRCh38, 1-based): chr3:142,505,275, T>C on the plus strand (A>G on the coding strand, the complement: ATR is on the minus strand). VCF-style: chr3-142505275-T-C. GRCh37 (hg19) VCF-style: chr3-142224117-T-C.
Other names: c.4868A>G, p.Asp1623Gly (NM_001354579.2); short protein forms D1687G, D1623G.
Identifiers: ClinVar variation 1745104 (VCV001745104.7), dbSNP rs2108356049, ClinGen allele CA354820102.

ClinVar aggregate classification (germline): Uncertain significance. Review status: criteria provided, multiple submitters, no conflicts (2 of 4 stars). 2 submissions from 2 submitters: Uncertain significance (2). Last evaluated 2022-10-08.

Conditions:
Inborn genetic diseases. Identifiers: MedGen C0950123, MeSH D030342.

Allele frequency attached by ClinVar (database versions not stated): gnomAD exomes below 0.00001.
gnomAD v4.1: 2 of 1,614,000 alleles (0.00012%); highest among the groups gnomAD compares: East Asian, 0.0045%; no homozygotes.

Submissions (2):

Labcorp Genetics (formerly Invitae), Labcorp
Classification: Uncertain significance. Last evaluated: 2022-10-08. Review status: criteria provided, single submitter. Criteria: Invitae Variant Classification Sherloc (09022015). Collection method: clinical testing. Allele origin: germline.
Comment: Algorithms developed to predict the effect of missense changes on protein structure and function (SIFT, PolyPhen-2, Align-GVGD) all suggest that this variant is likely to be disruptive. In summary, the available evidence is currently insufficient to determine the role of this variant in disease. Therefore, it has been classified as a Variant of Uncertain Significance. This variant has not been reported in the literature in individuals affected with ATR-related conditions. This variant is not present in population databases (gnomAD no frequency). This sequence change replaces aspartic acid, which is acidic and polar, with glycine, which is neutral and non-polar, at codon 1687 of the ATR protein (p.Asp1687Gly).

Ambry Genetics
Classification: Uncertain significance for Inborn genetic diseases. Last evaluated: 2022-08-04. Review status: criteria provided, single submitter. Criteria: Ambry Variant Classification Scheme 2023. Collection method: clinical testing. Allele origin: germline.
Comment: The p.D1687G variant (also known as c.5060A>G), located in coding exon 29 of the ATR gene, results from an A to G substitution at nucleotide position 5060. The aspartic acid at codon 1687 is replaced by glycine, an amino acid with similar properties. This amino acid position is conserved. In addition, this alteration is predicted to be deleterious by in silico analysis. Since supporting evidence is limited at this time, the clinical significance of this alteration remains unclear.